The following is an entry in ClinVar:

NM_006118.4(HAX1):c.50G>T (p.Arg17Leu)

Gene: HAX1 (HCLS1 associated protein X-1; plus strand). Cytogenetic location: 1q21.3.
Variant type: single nucleotide variant.
Coding change: c.50G>T on transcript NM_006118.4 (MANE Select); coding-DNA position 50, G replaced by T.
Protein change: p.Arg17Leu; replaces arginine 17 with leucine.
Molecular consequence: missense variant.
Genome position (GRCh38, 1-based): chr1:154,272,773, G>T. VCF-style: chr1-154272773-G-T. GRCh37 (hg19) VCF-style: chr1-154245249-G-T.
Other names: c.50G>T, p.Arg17Leu (NM_001018837.2); short protein forms R17L.
Identifiers: ClinVar variation 5022581 (VCV005022581.1).

ClinVar aggregate classification (germline): Uncertain significance (1 of 4 stars; one submission).

Conditions:
Inborn genetic diseases. Identifiers: MedGen C0950123, MeSH D030342.

gnomAD v4.1: 3 of 1,613,990 alleles (0.00019%); highest among the groups gnomAD compares: Non-Finnish European, 0.00017%; no homozygotes.

Submission:

Ambry Genetics
Classification: Uncertain significance for Inborn genetic diseases. Last evaluated: 2026-07-25. Review status: criteria provided, single submitter. Criteria: Ambry Variant Classification Scheme 2023. Collection method: clinical testing. Allele origin: germline.
Comment: The p.R17L variant (also known as c.50G>T), located in coding exon 1 of the HAX1 gene, results from a G to T substitution at nucleotide position 50. The arginine at codon 17 is replaced by leucine, an amino acid with dissimilar properties. This amino acid position is conserved. In addition, the in silico prediction for this alteration is inconclusive. Based on the available evidence, the clinical significance of this variant remains unclear.